The following is an entry in ClinVar:

ClinVar aggregate classification (germline): Uncertain significance (1 of 4 stars; one submission).

Conditions:
EPHX1-related disorder. Also called: EPHX1-related condition.

gnomAD v4.1: 53 of 1,614,042 alleles (0.0033%); highest among the groups gnomAD compares: Non-Finnish European, 0.0043%; no homozygotes.

Submission:

PreventionGenetics, part of Exact Sciences
Classification: Uncertain significance for EPHX1-related condition. Last evaluated: 2026-05-13. Review status: criteria provided, single submitter. Criteria: ACMG Guidelines, 2015. Collection method: clinical testing. Allele origin: germline.
Comment: The EPHX1 c.1138C>T variant is predicted to result in premature protein termination (p.Gln380*). To our knowledge, this variant has not been reported in the literature. This variant is reported in 0.00088% of alleles in individuals of European (Non-Finnish) descent in gnomAD. At this time, the clinical significance of this variant is uncertain due to the absence of conclusive functional and genetic evidence.

NM_001136018.4(EPHX1):c.1138C>T (p.Gln380Ter)

Genes: EPHX1 (epoxide hydrolase 1; plus strand), TMEM63A (transmembrane protein 63A; minus strand). Cytogenetic location: 1q42.12.
Variant type: single nucleotide variant.
Coding change: c.1138C>T on transcript NM_001136018.4 (MANE Select); coding-DNA position 1138, C replaced by T.
Protein change: p.Gln380Ter; replaces glutamine 380 with a stop codon.
Molecular consequence: nonsense. On other transcripts: non-coding transcript variant (4).
Genome position (GRCh38, 1-based): chr1:225,844,595, C>T. VCF-style: chr1-225844595-C-T. GRCh37 (hg19) VCF-style: chr1-226032296-C-T.
Other names: c.1138C>T, p.Gln380Ter (NM_000120.4, NM_001291163.2, NM_001378426.1 and 1 more transcripts); c.1111C>T, p.Gln371Ter (NM_001378428.1); c.1090C>T, p.Gln364Ter (NM_001378429.1, NM_001378430.1); c.910C>T, p.Gln304Ter (NM_001378431.1); c.571C>T, p.Gln191Ter (NM_001378432.1); short protein forms Q304*, Q191*, Q364*, Q380*, Q371*.
Identifiers: ClinVar variation 4990074 (VCV004990074.1).